The following is an entry in ClinVar:

ClinVar aggregate classification (germline): Uncertain significance (1 of 4 stars; one submission).

Conditions:
Candidiasis, familial, 8 (CANDF8). Identifiers: Orphanet 1334, MedGen C3714992, MONDO:0014230, OMIM 615527.

Allele frequency attached by ClinVar (database versions not stated): TOPMed 0.00002; gnomAD 0.00010; gnomAD exomes 0.00015; 1000 Genomes Project 30x 0.00016; ExAC 0.00019; 1000 Genomes Project 0.00020.
gnomAD v4.1: 135 of 1,609,248 alleles (0.0084%); highest among the groups gnomAD compares: African/African-American, 0.011%; no homozygotes.

Submission:

Labcorp Genetics (formerly Invitae), Labcorp
Classification: Uncertain significance for Candidiasis, familial, 8. Last evaluated: 2022-06-26. Review status: criteria provided, single submitter. Criteria: Invitae Variant Classification Sherloc (09022015). Collection method: clinical testing. Allele origin: germline.
Comment: This sequence change replaces arginine, which is basic and polar, with cysteine, which is neutral and slightly polar, at codon 449 of the TRAF3IP2 protein (p.Arg449Cys). This variant is present in population databases (rs200246882, gnomAD 0.1%). This variant has not been reported in the literature in individuals affected with TRAF3IP2-related conditions. ClinVar contains an entry for this variant (Variation ID: 945538). Algorithms developed to predict the effect of missense changes on protein structure and function are either unavailable or do not agree on the potential impact of this missense change (SIFT: "Deleterious"; PolyPhen-2: "Probably Damaging"; Align-GVGD: "Class C0"). In summary, the available evidence is currently insufficient to determine the role of this variant in disease. Therefore, it has been classified as a Variant of Uncertain Significance.

NM_147686.4(TRAF3IP2):c.1345C>T (p.Arg449Cys)

Genes: TRAF3IP2 (TRAF3 interacting protein 2; minus strand), TRAF3IP2-AS1 (TRAF3IP2 antisense RNA 1; plus strand). Cytogenetic location: 6q21.
Variant type: single nucleotide variant.
Coding change: c.1345C>T on transcript NM_147686.4 (MANE Select); coding-DNA position 1345, C replaced by T.
Protein change: p.Arg449Cys; replaces arginine 449 with cysteine.
Molecular consequence: missense variant.
Genome position (GRCh38, 1-based): chr6:111,567,638, G>A on the plus strand (C>T on the coding strand, the complement: TRAF3IP2 is on the minus strand). VCF-style: chr6-111567638-G-A. GRCh37 (hg19) VCF-style: chr6-111888841-G-A.
Other names: c.1345C>T, p.Arg449Cys (NM_001164281.3); c.1372C>T, p.Arg458Cys (NM_147200.3); short protein forms R458C, R449C.
Identifiers: ClinVar variation 945538 (VCV000945538.7), dbSNP rs200246882, ClinGen allele CA3963109.